The following is an entry in ClinVar:

NM_032043.3(BRIP1):c.3715T>C (p.Ser1239Pro)

Gene: BRIP1 (BRCA1 interacting DNA helicase 1; minus strand). Cytogenetic location: 17q23.2.
Variant type: single nucleotide variant.
Coding change: c.3715T>C on transcript NM_032043.3 (MANE Select); coding-DNA position 3715, T replaced by C.
Protein change: p.Ser1239Pro; replaces serine 1239 with proline.
Molecular consequence: missense variant.
Genome position (GRCh38, 1-based): chr17:61,683,331, A>G on the plus strand (T>C on the coding strand, the complement: BRIP1 is on the minus strand). VCF-style: chr17-61683331-A-G. GRCh37 (hg19) VCF-style: chr17-59760692-A-G.
Other names: short protein forms S1239P.
Identifiers: ClinVar variation 141623 (VCV000141623.14), dbSNP rs587781886, ClinGen allele CA165968.

ClinVar aggregate classification (germline): Uncertain significance. Review status: criteria provided, multiple submitters, no conflicts (2 of 4 stars). 2 submissions from 2 submitters: Uncertain significance (2). Last evaluated 2021-05-04.

Conditions:
Hereditary cancer-predisposing syndrome. Also called: Neoplastic Syndromes, Hereditary; Hereditary Cancer Syndrome; Hereditary neoplastic syndrome; Tumor predisposition. Identifiers: Orphanet 140162, MedGen C0027672, MeSH D009386, MONDO:0015356.
Familial cancer of breast. Also called: Hereditary breast cancer; hereditary breast carcinoma; BREAST CANCER, FAMILIAL. Identifiers: Orphanet 227535, MedGen C0346153, MONDO:0016419, OMIM 114480. Disease mechanism: loss of function.
Fanconi anemia complementation group J. Also called: BRIP1-Related Fanconi Anemia. Identifiers: Orphanet 84, MedGen C1836860, MONDO:0012187, OMIM 609054.

Submissions (2):

Labcorp Genetics (formerly Invitae), Labcorp
Classification: Uncertain significance for Familial cancer of breast; Fanconi anemia complementation group J. Last evaluated: 2021-05-04. Review status: criteria provided, single submitter. Criteria: Invitae Variant Classification Sherloc (09022015). Collection method: clinical testing. Allele origin: germline.
Comment: This sequence change replaces serine with proline at codon 1239 of the BRIP1 protein (p.Ser1239Pro). The serine residue is weakly conserved and there is a moderate physicochemical difference between serine and proline. This variant is not present in population databases (ExAC no frequency). This variant has not been reported in the literature in individuals with BRIP1-related conditions. ClinVar contains an entry for this variant (Variation ID: 141623). Algorithms developed to predict the effect of missense changes on protein structure and function output the following: SIFT: "Tolerated"; PolyPhen-2: "Benign"; Align-GVGD: "Class C0". The proline amino acid residue is found in multiple mammalian species, suggesting that this missense change does not adversely affect protein function. These predictions have not been confirmed by published functional studies and their clinical significance is uncertain. In summary, the available evidence is currently insufficient to determine the role of this variant in disease. Therefore, it has been classified as a Variant of Uncertain Significance.

Ambry Genetics
Classification: Uncertain significance for Hereditary cancer-predisposing syndrome. Last evaluated: 2014-09-10. Review status: criteria provided, single submitter. Criteria: Ambry Variant Classification Scheme 2023. Collection method: clinical testing. Allele origin: germline.
Comment: The p.S1239P variant (also known as c.3715T>C), located in coding exon 19 of the BRIP1 gene, results from a T to C substitution at nucleotide position 3715. The serine at codon 1239 is replaced by proline, an amino acid with similar properties. This variant was not reported in population based cohorts in the following databases: Database of Single Nucleotide Polymorphisms (dbSNP), NHLBI Exome Sequencing Project (ESP), and 1000 Genomes Project. To date, this alteration has been detected with an allele frequency of approximately 0.01% (greater than 22000 alleles tested) in our clinical cohort (includes this individual). Based on protein sequence alignment, this amino acid position is highly conserved in available vertebrate species. In addition, this alteration is predicted to be benign by PolyPhen but deleterious by SIFT in silico analyses. Since supporting evidence is limited at this time, the clinical significance of p.S1239P remains unclear.